The following is an entry in ClinVar:

ClinVar aggregate classification (germline): Conflicting classifications of pathogenicity. Review status: criteria provided, conflicting classifications (1 of 4 stars). 3 submissions from 3 submitters: Uncertain significance (1); Likely benign (2). Last evaluated 2023-12-23.

Conditions:
Iodotyrosyl coupling defect (TDH3). Also called: HYPOTHYROIDISM, CONGENITAL, DUE TO DYSHORMONOGENESIS, 3; THYROID HORMONOGENESIS, GENETIC DEFECT IN, 3. Identifiers: Orphanet 95716, MedGen C0342194, MONDO:0010135, OMIM 274700.

Allele frequency attached by ClinVar (database versions not stated): ExAC 0.00003; gnomAD 0.00003 and 0.00004; gnomAD exomes 0.00003; TOPMed 0.00004; ESP Exome Variant Server 0.00008.
gnomAD v4.1: 51 of 1,614,034 alleles (0.0032%); highest among the groups gnomAD compares: Middle Eastern, 0.016%; no homozygotes.

Submissions (3):

Labcorp Genetics (formerly Invitae), Labcorp
Classification: Likely benign. Last evaluated: 2023-12-23. Review status: criteria provided, single submitter. Criteria: Invitae Variant Classification Sherloc (09022015). Collection method: clinical testing. Allele origin: germline.

CeGaT Center for Human Genetics Tuebingen
Classification: Likely benign. Last evaluated: 2022-05-01. Review status: criteria provided, single submitter. Criteria: CeGaT Center For Human Genetics Tuebingen Variant Classification Criteria Version 2. Collection method: clinical testing. Allele origin: germline. Affected: yes. Observed: 1 variant allele.
Comment: TG: BP4, BP7

Illumina Laboratory Services, Illumina
Classification: Uncertain significance for Iodotyrosyl coupling defect. Last evaluated: 2018-01-13. Review status: criteria provided, single submitter. Criteria: ICSL Variant Classification Criteria 13 December 2019. Collection method: clinical testing. Allele origin: germline.

NM_003235.5(TG):c.105G>A (p.Glu35=)

Gene: TG (thyroglobulin; plus strand). Cytogenetic location: 8q24.22.
Variant type: single nucleotide variant.
Coding change: c.105G>A on transcript NM_003235.5 (MANE Select); coding-DNA position 105, G replaced by A.
Protein change: p.Glu35=; no amino-acid change (glutamic acid 35 retained).
Molecular consequence: synonymous variant.
Genome position (GRCh38, 1-based): chr8:132,868,152, G>A. VCF-style: chr8-132868152-G-A. GRCh37 (hg19) VCF-style: chr8-133880397-G-A.
Identifiers: ClinVar variation 774249 (VCV000774249.35), dbSNP rs374559000, ClinGen allele CA4882791.